The following is an entry in ClinVar:

NM_001844.5(COL2A1):c.271A>G (p.Thr91Ala)

Gene: COL2A1 (collagen type II alpha 1 chain; minus strand). Cytogenetic location: 12q13.11.
Variant type: single nucleotide variant.
Coding change: c.271A>G on transcript NM_001844.5 (MANE Select); coding-DNA position 271, A replaced by G.
Protein change: p.Thr91Ala; replaces threonine 91 with alanine.
Molecular consequence: missense variant. On other transcripts: intron variant (1).
Genome position (GRCh38, 1-based): chr12:47,999,940, T>C on the plus strand (A>G on the coding strand, the complement: COL2A1 is on the minus strand). VCF-style: chr12-47999940-T-C. GRCh37 (hg19) VCF-style: chr12-48393723-T-C.
Other names: c.271A>G (NM_001844.4); c.86-1509A>G (NM_033150.3); short protein forms T91A.
Identifiers: ClinVar variation 1517846 (VCV001517846.9), dbSNP rs1252498034, ClinGen allele CA384525846.
Genomic context (GRCh38, chr12:47,999,940, plus strand): 5'-AATTTATTTATGTTGAACAGGAAATAAATAAATTACAACCACTGGCAGTGGCGAGGTCAG[T>C]TGGGCAGATGGGGCAGCACTCTCCGAAGGGGATCTCAGGGCTGAGGCAGTCTTTCACGTC-3'
Protein context (NP_001835.3, residues 81-101): PFGECCPICP[Thr91Ala]DLATASGQPG

ClinVar aggregate classification (germline): Conflicting classifications of pathogenicity. Review status: criteria provided, conflicting classifications (1 of 4 stars). 2 submissions from 2 submitters: Uncertain significance (1); Benign (1). Last evaluated 2024-08-04.

Allele frequency attached by ClinVar (database versions not stated): gnomAD exomes below 0.00001; TOPMed below 0.00001; gnomAD 0.00001.

Submissions (2):

Labcorp Genetics (formerly Invitae), Labcorp
Classification: Benign. Last evaluated: 2024-08-04. Review status: criteria provided, single submitter. Criteria: Invitae Variant Classification Sherloc (09022015). Collection method: clinical testing. Allele origin: germline.

GeneDx
Classification: Uncertain significance. Last evaluated: 2024-06-28. Review status: criteria provided, single submitter. Criteria: GeneDx Variant Classification Process June 2021. Collection method: clinical testing. Allele origin: germline. Affected: yes.
Comment: Has not been previously published as pathogenic or benign to our knowledge; In silico analysis indicates that this missense variant does not alter protein structure/function